The following is an entry in ClinVar:

ClinVar aggregate classification (germline): Uncertain significance (1 of 4 stars; one submission).

Conditions:
Inborn genetic diseases. Identifiers: MedGen C0950123, MeSH D030342.

Submission:

Ambry Genetics
Classification: Uncertain significance for Inborn genetic diseases. Last evaluated: 2024-12-12. Review status: criteria provided, single submitter. Criteria: Ambry Variant Classification Scheme 2023. Collection method: clinical testing. Allele origin: germline.
Comment: The p.G1166A variant (also known as c.3497G>C), located in coding exon 20 of the RECQL4 gene, results from a G to C substitution at nucleotide position 3497. The glycine at codon 1166 is replaced by alanine, an amino acid with similar properties. This amino acid position is conserved. In addition, this alteration is predicted to be deleterious by in silico analysis. Based on the available evidence, the clinical significance of this variant remains unclear.

NM_004260.4(RECQL4):c.3497G>C (p.Gly1166Ala)

Gene: RECQL4 (RecQ like helicase 4; minus strand). Cytogenetic location: 8q24.3.
Variant type: single nucleotide variant.
Coding change: c.3497G>C on transcript NM_004260.4 (MANE Select); coding-DNA position 3497, G replaced by C.
Protein change: p.Gly1166Ala; replaces glycine 1166 with alanine.
Molecular consequence: missense variant. On other transcripts: non-coding transcript variant (3).
Genome position (GRCh38, 1-based): chr8:144,511,686, C>G on the plus strand (G>C on the coding strand, the complement: RECQL4 is on the minus strand). VCF-style: chr8-144511686-C-G. GRCh37 (hg19) VCF-style: chr8-145737069-C-G.
Other names: c.2426G>C, p.Gly809Ala (NM_001413040.1, NM_001413021.1, NM_001413022.1 and 4 more transcripts); c.2435G>C, p.Gly812Ala (NM_001413041.1); c.2396G>C, p.Gly799Ala (NM_001413042.1); c.2030G>C, p.Gly677Ala (NM_001413043.1); c.3203G>C, p.Gly1068Ala (NM_001413017.1); c.3299G>C, p.Gly1100Ala (NM_001413018.1); c.3572G>C, p.Gly1191Ala (NM_001413019.1); c.3401G>C, p.Gly1134Ala (NM_001413020.1); and 9 more; short protein forms G1134A, G1191A, G677A, G799A, G1100A, G1156A, G743A, G1049A.
Identifiers: ClinVar variation 2507614 (VCV002507614.3), dbSNP rs1416975304, ClinGen allele CA372666433.